The following is an entry in ClinVar:

ClinVar aggregate classification (germline): Uncertain significance (1 of 4 stars; one submission).

Conditions:
Dyskeratosis congenita, autosomal dominant 2. Identifiers: MedGen C3151443, MONDO:0013521, OMIM 613989.
Idiopathic Pulmonary Fibrosis. Also called: Idiopathic fibrosing alveolitis, chronic form; idiopathic fibrosing alveolitis. Identifiers: Orphanet 2032, MedGen C1800706, MeSH D054990, MONDO:0800504.

Allele frequency attached by ClinVar (database versions not stated): ExAC below 0.00001.
gnomAD v4.1: 3 of 1,548,966 alleles (0.00019%); highest among the groups gnomAD compares: Non-Finnish European, 0.00026%; no homozygotes.

Submission:

Labcorp Genetics (formerly Invitae), Labcorp
Classification: Uncertain significance for Dyskeratosis congenita, autosomal dominant 2; Idiopathic Pulmonary Fibrosis. Last evaluated: 2021-12-23. Review status: criteria provided, single submitter. Criteria: Invitae Variant Classification Sherloc (09022015). Collection method: clinical testing. Allele origin: germline.
Comment: This variant is not present in population databases (gnomAD no frequency). This sequence change replaces arginine, which is basic and polar, with glutamine, which is neutral and polar, at codon 312 of the TERT protein (p.Arg312Gln). In summary, the available evidence is currently insufficient to determine the role of this variant in disease. Therefore, it has been classified as a Variant of Uncertain Significance. This variant has not been reported in the literature in individuals affected with TERT-related conditions. Algorithms developed to predict the effect of sequence changes on RNA splicing suggest that this variant may create or strengthen a splice site. Advanced modeling of protein sequence and biophysical properties (such as structural, functional, and spatial information, amino acid conservation, physicochemical variation, residue mobility, and thermodynamic stability) performed at Invitae indicates that this missense variant is not expected to disrupt TERT protein function. ClinVar contains an entry for this variant (Variation ID: 949300).

NM_198253.3(TERT):c.935G>A (p.Arg312Gln)

Gene: TERT (telomerase reverse transcriptase; minus strand). Cytogenetic location: 5p15.33.
Variant type: single nucleotide variant.
Coding change: c.935G>A on transcript NM_198253.3 (MANE Select); coding-DNA position 935, G replaced by A.
Protein change: p.Arg312Gln; replaces arginine 312 with glutamine.
Molecular consequence: missense variant. On other transcripts: non-coding transcript variant (2).
Genome position (GRCh38, 1-based): chr5:1,293,951, C>T on the plus strand (G>A on the coding strand, the complement: TERT is on the minus strand). VCF-style: chr5-1293951-C-T. GRCh37 (hg19) VCF-style: chr5-1294066-C-T.
Other names: c.935G>A, p.Arg312Gln (NM_001193376.3); short protein forms R312Q.
Identifiers: ClinVar variation 949300 (VCV000949300.10), dbSNP rs752511903, ClinGen allele CA3184885.